The following is an entry in ClinVar:

NM_024120.5(NDUFAF5):c.33T>A (p.Cys11Ter)

Genes: NDUFAF5 (NADH:ubiquinone oxidoreductase complex assembly factor 5; plus strand), LOC130065433 (ATAC-STARR-seq lymphoblastoid active region 17552; plus strand). Cytogenetic location: 20p12.1.
Variant type: single nucleotide variant.
Coding change: c.33T>A on transcript NM_024120.5 (MANE Select); coding-DNA position 33, T replaced by A.
Protein change: p.Cys11Ter; replaces cysteine 11 with a stop codon.
Molecular consequence: nonsense. On other transcripts: 5 prime UTR variant (3), non-coding transcript variant (7).
Genome position (GRCh38, 1-based): chr20:13,785,101, T>A. VCF-style: chr20-13785101-T-A. GRCh37 (hg19) VCF-style: chr20-13765747-T-A.
Other names: c.33T>A, p.Cys11Ter (NM_001039375.3, NM_001352408.2); c.-335T>A (NM_001352403.2); c.-549T>A (NM_001352406.2); c.-663T>A (NM_001352407.2); c.33T>A (NM_024120.4); short protein forms C11*.
Identifiers: ClinVar variation 2200296 (VCV002200296.7), dbSNP rs2516091086, ClinGen allele CA408282119.

ClinVar aggregate classification (germline): Pathogenic/Likely pathogenic. Review status: criteria provided, multiple submitters, no conflicts (2 of 4 stars). 3 submissions from 3 submitters: Pathogenic (1); Likely pathogenic (2). Last evaluated 2025-05-28.

Conditions:
Mitochondrial complex I deficiency. Also called: NADH:Q(1) OXIDOREDUCTASE DEFICIENCY. Identifiers: Orphanet 2609, MedGen C1838979, MeSH C537475, MONDO:0100133.
Mitochondrial complex I deficiency, nuclear type 16. Also called: Mitochondrial complex 1 deficiency, nuclear type 16. Identifiers: MedGen C4748785, MONDO:0032621, OMIM 618238.

Submissions (3):

Natera, Inc.
Classification: Likely pathogenic for Mitochondrial complex I deficiency. Last evaluated: 2025-05-28. Review status: criteria provided, single submitter. Criteria: Natera Variant Classification Schema (03/2026). Collection method: clinical testing. Allele origin: germline.
Comment: The c.33T>A variant in NDUFAF5 is a nonsense variant predicted to introduce a stop codon at amino acid 11. This variant is expected to result in nonsense mediated decay, truncation, or a dysfunctional protein product. This variant is rare in the general population with a frequency below the threshold expected for the associated phenotype(s). Given the available evidence, this variant is classified as Likely Pathogenic.

Fulgent Genetics
Classification: Likely pathogenic for Mitochondrial complex I deficiency, nuclear type 16. Last evaluated: 2024-04-03. Review status: criteria provided, single submitter. Criteria: ACMG Guidelines, 2015. Collection method: clinical testing. Allele origin: germline.

Labcorp Genetics (formerly Invitae), Labcorp
Classification: Pathogenic. Last evaluated: 2022-05-31. Review status: criteria provided, single submitter. Criteria: Invitae Variant Classification Sherloc (09022015). Collection method: clinical testing. Allele origin: germline.
Comment: This variant has not been reported in the literature in individuals affected with NDUFAF5-related conditions. This sequence change creates a premature translational stop signal (p.Cys11*) in the NDUFAF5 gene. It is expected to result in an absent or disrupted protein product. Loss-of-function variants in NDUFAF5 are known to be pathogenic (PMID: 26275793, 30473481, 32918965). This variant is not present in population databases (gnomAD no frequency). For these reasons, this variant has been classified as Pathogenic.

Literature cited by the submitters: PubMed 26275793 (cited by Labcorp Genetics (formerly Invitae), Labcorp); PubMed 30473481 (cited by Labcorp Genetics (formerly Invitae), Labcorp); PubMed 32918965 (cited by Labcorp Genetics (formerly Invitae), Labcorp).